The following is an entry in ClinVar:

NM_001365999.1(SZT2):c.9631C>T (p.Arg3211Cys)

Genes: SZT2 (SZT2 subunit of KICSTOR complex; plus strand), SZT2-AS1 (SZT2 antisense RNA 1; minus strand). Cytogenetic location: 1p34.2.
Variant type: single nucleotide variant.
Coding change: c.9631C>T on transcript NM_001365999.1 (MANE Select); coding-DNA position 9631, C replaced by T.
Protein change: p.Arg3211Cys; replaces arginine 3211 with cysteine.
Molecular consequence: missense variant. On other transcripts: non-coding transcript variant (1).
Genome position (GRCh38, 1-based): chr1:43,448,146, C>T. VCF-style: chr1-43448146-C-T. GRCh37 (hg19) VCF-style: chr1-43913817-C-T.
Other names: c.9460C>T, p.Arg3154Cys (NM_015284.4); short protein forms R3154C, R3211C.
Identifiers: ClinVar variation 1005051 (VCV001005051.8), dbSNP rs759450249, ClinGen allele CA810983.

ClinVar aggregate classification (germline): Uncertain significance (1 of 4 stars; one submission).

Allele frequency attached by ClinVar (database versions not stated): TOPMed 0.00001.
gnomAD v4.1: 8 of 1,609,762 alleles (0.0005%); highest among the groups gnomAD compares: South Asian, 0.0011%; no homozygotes.

Submission:

Labcorp Genetics (formerly Invitae), Labcorp
Classification: Uncertain significance. Last evaluated: 2022-07-30. Review status: criteria provided, single submitter. Criteria: Invitae Variant Classification Sherloc (09022015). Collection method: clinical testing. Allele origin: germline.
Comment: This sequence change replaces arginine, which is basic and polar, with cysteine, which is neutral and slightly polar, at codon 3154 of the SZT2 protein (p.Arg3154Cys). This variant is present in population databases (rs759450249, gnomAD 0.004%). This variant has not been reported in the literature in individuals affected with SZT2-related conditions. ClinVar contains an entry for this variant (Variation ID: 1005051). Algorithms developed to predict the effect of missense changes on protein structure and function (SIFT, PolyPhen-2, Align-GVGD) all suggest that this variant is likely to be disruptive. In summary, the available evidence is currently insufficient to determine the role of this variant in disease. Therefore, it has been classified as a Variant of Uncertain Significance.